The following is an entry in ClinVar:

NM_001130144.3(LTBP3):c.767C>T (p.Ser256Phe)

Gene: LTBP3 (latent transforming growth factor beta binding protein 3; minus strand). Cytogenetic location: 11q13.1.
Variant type: single nucleotide variant.
Coding change: c.767C>T on transcript NM_001130144.3 (MANE Select); coding-DNA position 767, C replaced by T.
Protein change: p.Ser256Phe; replaces serine 256 with phenylalanine.
Molecular consequence: missense variant.
Genome position (GRCh38, 1-based): chr11:65,553,798, G>A on the plus strand (C>T on the coding strand, the complement: LTBP3 is on the minus strand). VCF-style: chr11-65553798-G-A. GRCh37 (hg19) VCF-style: chr11-65321269-G-A.
Other names: c.416C>T, p.Ser139Phe (NM_001164266.1); c.767C>T, p.Ser256Phe (NM_021070.4); short protein forms S256F, S139F.
Identifiers: ClinVar variation 1518243 (VCV001518243.6), dbSNP rs2135158279, ClinGen allele CA381275817.

ClinVar aggregate classification (germline): Uncertain significance (1 of 4 stars; one submission).

Conditions:
Brachyolmia-amelogenesis imperfecta syndrome. Also called: Tooth agenesis, selective, 6; Dental anomalies and short stature; PLATYSPONDYLY WITH AMELOGENESIS IMPERFECTA. Identifiers: Orphanet 2899, MedGen C1832594, MONDO:0011018, OMIM 601216. Disease mechanism: loss of function.

Submission:

Labcorp Genetics (formerly Invitae), Labcorp
Classification: Uncertain significance for Brachyolmia-amelogenesis imperfecta syndrome. Last evaluated: 2021-09-09. Review status: criteria provided, single submitter. Criteria: Invitae Variant Classification Sherloc (09022015). Collection method: clinical testing. Allele origin: germline.
Comment: This sequence change replaces serine with phenylalanine at codon 256 of the LTBP3 protein (p.Ser256Phe). The serine residue is moderately conserved and there is a large physicochemical difference between serine and phenylalanine. The frequency data for this variant in the population databases is considered unreliable, as metrics indicate insufficient coverage at this position in the ExAC database. This variant has not been reported in the literature in individuals affected with LTBP3-related conditions. Algorithms developed to predict the effect of missense changes on protein structure and function are either unavailable or do not agree on the potential impact of this missense change (SIFT: "Deleterious"; PolyPhen-2: "Possibly Damaging"; Align-GVGD: "Class C0"). In summary, the available evidence is currently insufficient to determine the role of this variant in disease. Therefore, it has been classified as a Variant of Uncertain Significance.